The following is an entry in ClinVar:

NM_000238.4(KCNH2):c.1955_1960delinsT (p.Tyr652fs)

Gene: KCNH2 (potassium voltage-gated channel subfamily H member 2; minus strand). Cytogenetic location: 7q36.1.
Variant type: Indel.
Coding change: c.1955_1960delinsT on transcript NM_000238.4 (MANE Select); coding-DNA positions 1955 to 1960, ATGCTA replaced by T.
Protein change: p.Tyr652fs; shifts the reading frame from tyrosine 652.
Molecular consequence: frameshift variant.
Genome position (GRCh38, 1-based): chr7:150,951,106-150,951,111, TAGCAT replaced by A on the plus strand (ATGCTA replaced by T on the coding strand, the reverse complement: KCNH2 is on the minus strand). VCF-style: chr7-150951106-TAGCAT-A. GRCh37 (hg19) VCF-style: chr7-150648194-TAGCAT-A.
Other names: c.935_940delinsT, p.Tyr312fs (NM_001204798.2, NM_172057.3); c.1667_1672delATGCTAinsT, p.Tyr556Leufs (NM_001406753.1, NM_001406756.1); c.1778_1783delATGCTAinsT, p.Tyr593Leufs (NM_001406755.1); c.1655_1660delATGCTAinsT, p.Tyr552Leufs (NM_001406757.1); c.1955_1960delATGCTAinsT, p.Tyr652Leufs (NM_172056.3); short protein forms Y312fs, Y652fs.
Identifiers: ClinVar variation 1783287 (VCV001783287.7), dbSNP rs2486032262, ClinGen allele CA2580077796.

ClinVar aggregate classification (germline): Pathogenic. Review status: criteria provided, multiple submitters, no conflicts (2 of 4 stars). 2 submissions from 2 submitters: Pathogenic (2). Last evaluated 2024-01-19.

Conditions:
Cardiovascular phenotype. Identifiers: MedGen CN230736.
Long QT syndrome (LQTS). Identifiers: MedGen C0023976, MeSH D008133, MONDO:0002442. Disease mechanism: loss of function. Inheritance: Various modes of inheritance.

Submissions (2):

Labcorp Genetics (formerly Invitae), Labcorp
Classification: Pathogenic for Long QT syndrome. Last evaluated: 2024-01-19. Review status: criteria provided, single submitter. Criteria: Invitae Variant Classification Sherloc (09022015). Collection method: clinical testing. Allele origin: germline.
Comment: This sequence change creates a premature translational stop signal (p.Tyr652Leufs*69) in the KCNH2 gene. It is expected to result in an absent or disrupted protein product. Loss-of-function variants in KCNH2 are known to be pathogenic (PMID: 10973849, 19862833). Information on the frequency of this variant in the gnomAD database is not available, as this variant may be reported differently in the database. This premature translational stop signal has been observed in individual(s) with clinical features of long QT syndrome (PMID: 19716085). This variant is also known as 1955delATGCTAinsT (M651fs+68X). For these reasons, this variant has been classified as Pathogenic.

Ambry Genetics
Classification: Pathogenic for Cardiovascular phenotype. Last evaluated: 2021-04-08. Review status: criteria provided, single submitter. Criteria: Ambry Variant Classification Scheme 2023. Collection method: clinical testing. Allele origin: germline.
Comment: The c.1955_1960delATGCTAinsT pathogenic mutation, located in coding exon 8 of the KCNH2 gene, results from the deletion of 6 nucleotides and insertion of one nucleotide causing a translational frameshift with a predicted alternate stop codon (p.Y652Lfs*69). This mutation has been detected in a cohort referred for long QT syndrome genetic testing (Kapplinger JD et al. Heart Rhythm, 2009 Sep;6:1297-303). In addition to the clinical data presented in the literature, this alteration is expected to result in loss of function by premature protein truncation or nonsense-mediated mRNA decay. As such, this alteration is interpreted as a disease-causing mutation.

Literature cited by the submitters: PubMed 10973849 (cited by Labcorp Genetics (formerly Invitae), Labcorp); PubMed 19862833 (cited by Labcorp Genetics (formerly Invitae), Labcorp); PubMed 19716085 (cited by Labcorp Genetics (formerly Invitae), Labcorp and Ambry Genetics).